The following is an entry in ClinVar:

NM_021619.3(PRDM12):c.953A>T (p.Gln318Leu)

Gene: PRDM12 (PR/SET domain 12; plus strand). Cytogenetic location: 9q34.12.
Variant type: single nucleotide variant.
Coding change: c.953A>T on transcript NM_021619.3 (MANE Select); coding-DNA position 953, A replaced by T.
Protein change: p.Gln318Leu; replaces glutamine 318 with leucine.
Molecular consequence: missense variant.
Genome position (GRCh38, 1-based): chr9:130,681,518, A>T. VCF-style: chr9-130681518-A-T. GRCh37 (hg19) VCF-style: chr9-133556905-A-T.
Other names: short protein forms Q318L.
Identifiers: ClinVar variation 1767302 (VCV001767302.2), dbSNP rs2490750469, ClinGen allele CA375245053.

ClinVar aggregate classification (germline): Uncertain significance (1 of 4 stars; one submission).

Conditions:
Inborn genetic diseases. Identifiers: MedGen C0950123, MeSH D030342.

Submission:

Ambry Genetics
Classification: Uncertain significance for Inborn genetic diseases. Last evaluated: 2021-11-11. Review status: criteria provided, single submitter. Criteria: Ambry Variant Classification Scheme 2023. Collection method: clinical testing. Allele origin: germline.
Comment: The p.Q318L variant (also known as c.953A>T), located in coding exon 5 of the PRDM12 gene, results from an A to T substitution at nucleotide position 953. The glutamine at codon 318 is replaced by leucine, an amino acid with dissimilar properties. This amino acid position is conserved. In addition, this alteration is predicted to be tolerated by in silico analysis. Since supporting evidence is limited at this time, the clinical significance of this alteration remains unclear.